The following is an entry in ClinVar:

ClinVar aggregate classification (germline): Uncertain significance. Review status: criteria provided, multiple submitters, no conflicts (2 of 4 stars). 2 submissions from 2 submitters: Uncertain significance (2). Last evaluated 2024-10-22.

Conditions:
Cardiovascular phenotype. Identifiers: MedGen CN230736.

Allele frequency attached by ClinVar (database versions not stated): gnomAD exomes 0.00001; TOPMed 0.00002; gnomAD 0.00003; ExAC 0.00005.
gnomAD v4.1: 14 of 1,550,168 alleles (0.0009%); highest among the groups gnomAD compares: African/African-American, 0.0082%; no homozygotes.

Submissions (2):

Ambry Genetics
Classification: Uncertain significance for Cardiovascular phenotype. Last evaluated: 2024-10-22. Review status: criteria provided, single submitter. Criteria: Ambry Variant Classification Scheme 2023. Collection method: clinical testing. Allele origin: germline.

Labcorp Genetics (formerly Invitae), Labcorp
Classification: Uncertain significance. Last evaluated: 2022-05-27. Review status: criteria provided, single submitter. Criteria: Invitae Variant Classification Sherloc (09022015). Collection method: clinical testing. Allele origin: germline.
Comment: This sequence change replaces proline, which is neutral and non-polar, with leucine, which is neutral and non-polar, at codon 2165 of the ZNF469 protein (p.Pro2165Leu). This variant is present in population databases (rs781489620, gnomAD 0.01%). This variant has not been reported in the literature in individuals affected with ZNF469-related conditions. Algorithms developed to predict the effect of missense changes on protein structure and function output the following: SIFT: "Tolerated"; PolyPhen-2: "Benign"; Align-GVGD: "Class C0". The leucine amino acid residue is found in multiple mammalian species, which suggests that this missense change does not adversely affect protein function. In summary, the available evidence is currently insufficient to determine the role of this variant in disease. Therefore, it has been classified as a Variant of Uncertain Significance.

NM_001367624.2(ZNF469):c.6578C>T (p.Pro2193Leu)

Gene: ZNF469 (zinc finger protein 469; plus strand). Cytogenetic location: 16q24.2.
Variant type: single nucleotide variant.
Coding change: c.6578C>T on transcript NM_001367624.2 (MANE Select); coding-DNA position 6578, C replaced by T.
Protein change: p.Pro2193Leu; replaces proline 2193 with leucine.
Molecular consequence: missense variant.
Genome position (GRCh38, 1-based): chr16:88,434,048, C>T. VCF-style: chr16-88434048-C-T. GRCh37 (hg19) VCF-style: chr16-88500456-C-T.
Other names: NM_001127464.1:c.6494C>T; short protein forms P2193L.
Identifiers: ClinVar variation 1957129 (VCV001957129.4), dbSNP rs781489620, ClinGen allele CA8225166.